The following is an entry in ClinVar:

NM_004304.5(ALK):c.1154G>C (p.Gly385Ala)

Gene: ALK (ALK receptor tyrosine kinase; minus strand). Cytogenetic location: 2p23.2.
Variant type: single nucleotide variant.
Coding change: c.1154G>C on transcript NM_004304.5 (MANE Select); coding-DNA position 1154, G replaced by C.
Protein change: p.Gly385Ala; replaces glycine 385 with alanine.
Molecular consequence: missense variant.
Genome position (GRCh38, 1-based): chr2:29,531,915, C>G on the plus strand (G>C on the coding strand, the complement: ALK is on the minus strand). VCF-style: chr2-29531915-C-G. GRCh37 (hg19) VCF-style: chr2-29754781-C-G.
Other names: short protein forms G385A.
Identifiers: ClinVar variation 404317 (VCV000404317.10), dbSNP rs774127733, ClinGen allele CA1594759.

ClinVar aggregate classification (germline): Uncertain significance. Review status: criteria provided, multiple submitters, no conflicts (2 of 4 stars). 3 submissions from 3 submitters: Uncertain significance (3). Last evaluated 2025-10-20.

Conditions:
Hereditary cancer-predisposing syndrome. Also called: Tumor predisposition; Neoplastic Syndromes, Hereditary; Hereditary Cancer Syndrome; Hereditary neoplastic syndrome. Identifiers: Orphanet 140162, MedGen C0027672, MeSH D009386, MONDO:0015356.
Neuroblastoma, susceptibility to, 3. Also called: ALK-Related Neuroblastic Tumor Susceptibility. Identifiers: Orphanet 635, MedGen C2751681, MONDO:0013083, OMIM 613014.

gnomAD v4.1: 7 of 1,613,944 alleles (0.00043%); highest among the groups gnomAD compares: South Asian, 0.0044%; 1 homozygote.

Submissions (3):

Labcorp Genetics (formerly Invitae), Labcorp
Classification: Uncertain significance for Neuroblastoma, susceptibility to, 3. Last evaluated: 2025-10-20. Review status: criteria provided, single submitter. Criteria: Invitae Variant Classification Sherloc (09022015). Collection method: clinical testing. Allele origin: germline.
Comment: This sequence change replaces glycine, which is neutral and non-polar, with alanine, which is neutral and non-polar, at codon 385 of the ALK protein (p.Gly385Ala). This variant also falls at the last nucleotide of exon 4, which is part of the consensus splice site for this exon. This variant is present in population databases (rs774127733, gnomAD 0.006%). This variant has not been reported in the literature in individuals affected with ALK-related conditions. ClinVar contains an entry for this variant (Variation ID: 404317). An algorithm developed to predict the effect of missense changes on protein structure and function (PolyPhen-2) suggests that this variant is likely to be disruptive. Variants that disrupt the consensus splice site are a relatively common cause of aberrant splicing (PMID: 17576681, 9536098). In summary, the available evidence is currently insufficient to determine the role of this variant in disease. Therefore, it has been classified as a Variant of Uncertain Significance.

Ambry Genetics
Classification: Uncertain significance for Hereditary cancer-predisposing syndrome. Last evaluated: 2025-02-20. Review status: criteria provided, single submitter. Criteria: Ambry Variant Classification Scheme 2023. Collection method: clinical testing. Allele origin: germline.
Comment: The p.G385A variant (also known as c.1154G>C), located in coding exon 4 of the ALK gene, results from a G to C substitution at nucleotide position 1154. The amino acid change results in glycine to alanine at codon 385, an amino acid with similar properties. However, this change occurs in the last base pair of coding exon 4, which makes it likely to have some effect on normal mRNA splicing. This nucleotide position is highly conserved in available vertebrate species. In silico splice site analysis predicts that this alteration will not have any significant effect on splicing. This amino acid position is highly conserved in available vertebrate species. In addition, as a missense substitution, this alteration is predicted to be tolerated by in silico analysis. Based on the available evidence, the clinical significance of this variant remains unclear.

GeneDx
Classification: Uncertain significance. Last evaluated: 2024-08-16. Review status: criteria provided, single submitter. Criteria: GeneDx Variant Classification Process June 2021. Collection method: clinical testing. Allele origin: germline. Affected: yes.
Comment: Not observed at significant frequency in large population cohorts (gnomAD); In silico analysis indicates that this missense variant does not alter protein structure/function; Has not been previously published as pathogenic or benign to our knowledge

Literature cited by the submitters: PubMed 17576681 (cited by Labcorp Genetics (formerly Invitae), Labcorp); PubMed 9536098 (cited by Labcorp Genetics (formerly Invitae), Labcorp).